The following is an entry in ClinVar:

NM_020964.3(EPG5):c.4169A>G (p.Tyr1390Cys)

Gene: EPG5 (ectopic P-granules 5 autophagy tethering factor; minus strand). Cytogenetic location: 18q21.1.
Variant type: single nucleotide variant.
Coding change: c.4169A>G on transcript NM_020964.3 (MANE Select); coding-DNA position 4169, A replaced by G.
Protein change: p.Tyr1390Cys; replaces tyrosine 1390 with cysteine.
Molecular consequence: missense variant.
Genome position (GRCh38, 1-based): chr18:45,910,557, T>C on the plus strand (A>G on the coding strand, the complement: EPG5 is on the minus strand). VCF-style: chr18-45910557-T-C. GRCh37 (hg19) VCF-style: chr18-43490522-T-C.
Other names: c.4169A>G, p.Tyr1390Cys (LRG_1234t1); short protein forms Y1390C.
Identifiers: ClinVar variation 225001 (VCV000225001.11), dbSNP rs551488784, ClinGen allele CA358038.

ClinVar aggregate classification (germline): Uncertain significance. Review status: criteria provided, multiple submitters, no conflicts (2 of 4 stars). 2 submissions from 2 submitters: Uncertain significance (2). Last evaluated 2021-09-01.

Conditions:
Vici syndrome (VICIS). Identifiers: Orphanet 1493, MedGen C1855772, MONDO:0009452, OMIM 242840.
Inborn genetic diseases. Identifiers: MedGen C0950123, MeSH D030342.

Allele frequency attached by ClinVar (database versions not stated): TOPMed 0.00002.
gnomAD v4.1: 15 of 1,612,844 alleles (0.00093%); highest among the groups gnomAD compares: Non-Finnish European, 0.0013%; no homozygotes.

Submissions (2):

Labcorp Genetics (formerly Invitae), Labcorp
Classification: Uncertain significance for Vici syndrome. Last evaluated: 2021-09-01. Review status: criteria provided, single submitter. Criteria: Invitae Variant Classification Sherloc (09022015). Collection method: clinical testing. Allele origin: germline.
Comment: This sequence change replaces tyrosine with cysteine at codon 1390 of the EPG5 protein (p.Tyr1390Cys). The tyrosine residue is moderately conserved and there is a large physicochemical difference between tyrosine and cysteine. This variant is present in population databases (rs551488784, ExAC 0.003%). This variant has not been reported in the literature in individuals affected with EPG5-related conditions. ClinVar contains an entry for this variant (Variation ID: 225001). Algorithms developed to predict the effect of missense changes on protein structure and function are either unavailable or do not agree on the potential impact of this missense change (SIFT: "Tolerated"; PolyPhen-2: "Possibly Damaging"; Align-GVGD: "Class C0"). In summary, the available evidence is currently insufficient to determine the role of this variant in disease. Therefore, it has been classified as a Variant of Uncertain Significance.

Ambry Genetics
Classification: Uncertain significance for Inborn genetic diseases. Last evaluated: 2013-07-18. Review status: criteria provided, single submitter. Criteria: Ambry Autosomal Dominant and X-Linked criteria (10/2015). Collection method: clinical testing. Allele origin: germline. Observed: 1 variant allele.
Comment: Ã¢â‚¬â€¹The c.4169A>G (p.Y1390C) alteration is located in exon 23 (coding exon N) of the EPG5 gene. This alteration results from a A to G substitution at nucleotide position 4169. The tyrosine (Y) at codon 1390 is replaced by cysteine (C).The missense change is rare in healthy cohorts:Based on data from the NHLBI Exome Sequencing Project (ESP), the EPG5 c.4169A>G (p.Y1390C) alteration was not observed among 6,039 individuals tested (0.0%). Allele frequency data for this nucleotide position are not currently available from the 1000 Genomes Project and the alteration is not currently listed in the Database of Single Nucleotide Polymorphisms (dbSNP).The altered amino acid is not conserved throughout evolution:The Y1390 amino acid is poorly conserved throughout vertebrates.The alteration is predicted benign by in silico models:TheY1390Calteration is predicted to be benign by Polyphen and tolerated by SIFT in silico analyses.Based on the available evidence, the deleterious nature of the EPG5 c.4169A>G (p.Y1390C) alteration is uncertain.